The following is an entry in ClinVar:

NM_002225.5(IVD):c.48G>C (p.Arg16Ser)

Gene: IVD (isovaleryl-CoA dehydrogenase; plus strand). Cytogenetic location: 15q15.1.
Variant type: single nucleotide variant.
Coding change: c.48G>C on transcript NM_002225.5 (MANE Select); coding-DNA position 48, G replaced by C.
Protein change: p.Arg16Ser; replaces arginine 16 with serine.
Molecular consequence: missense variant. On other transcripts: 5 prime UTR variant (1), non-coding transcript variant (1).
Genome position (GRCh38, 1-based): chr15:40,405,875, G>C. VCF-style: chr15-40405875-G-C. GRCh37 (hg19) VCF-style: chr15-40698076-G-C.
Other names: c.48G>C, p.Arg16Ser (NM_001159508.3, NM_001354598.3, NM_001354599.3 and 2 more transcripts); c.-380G>C (NM_001354597.3); short protein forms R16S.
Identifiers: ClinVar variation 2073260 (VCV002073260.2), dbSNP rs141376305, ClinGen allele CA7480476.

ClinVar aggregate classification (germline): Uncertain significance. Review status: criteria provided, multiple submitters, no conflicts (2 of 4 stars). 2 submissions from 2 submitters: Uncertain significance (2). Last evaluated 2026-02-14.

Conditions:
Isovaleryl-CoA dehydrogenase deficiency (IVA). Also called: ISOVALERIC ACID CoA DEHYDROGENASE DEFICIENCY; Isovaleric acidemia; IVD DEFICIENCY; Classic Isovaleric Acidemia. Identifiers: Orphanet 33, MedGen C0268575, MONDO:0009475, OMIM 243500.

Allele frequency attached by ClinVar (database versions not stated): TOPMed 0.00003; ExAC 0.00005; gnomAD 0.00006; ESP Exome Variant Server 0.00015.
gnomAD v4.1: 160 of 1,612,466 alleles (0.0099%); highest among the groups gnomAD compares: Non-Finnish European, 0.013%; no homozygotes.

Submissions (2):

Clinical Genomics Laboratory, Washington University in St. Louis
Classification: Uncertain significance for Isovaleryl-CoA dehydrogenase deficiency. Last evaluated: 2026-02-14. Review status: criteria provided, single submitter. Criteria: ACMG Guidelines, 2015. Collection method: clinical testing. Allele origin: germline.
Comment: The IVD c.48G>C (p.Arg16Ser) variant, to our knowledge, has not been reported in the medical literature but has been reported in the ClinVar database as a germline variant of uncertain significance by one submitter. This variant is only observed on 160/1,612,466 alleles in the general population (gnomAD v4.1.0), indicating it is not a common variant. Computational predictors are uncertain as to the impact of this variant on IVD function. Due to limited information, and based on ACMG/AMP guidelines for variant interpretation (Richards S et al., PMID: 25741868), the clinical significance of this variant is uncertain at this time.

Labcorp Genetics (formerly Invitae), Labcorp
Classification: Uncertain significance for Isovaleryl-CoA dehydrogenase deficiency. Last evaluated: 2021-12-03. Review status: criteria provided, single submitter. Criteria: Invitae Variant Classification Sherloc (09022015). Collection method: clinical testing. Allele origin: germline.
Comment: This sequence change replaces arginine, which is basic and polar, with serine, which is neutral and polar, at codon 19 of the IVD protein (p.Arg19Ser). This variant is present in population databases (rs141376305, gnomAD 0.006%). This variant has not been reported in the literature in individuals affected with IVD-related conditions. Algorithms developed to predict the effect of missense changes on protein structure and function output the following: SIFT: "Tolerated"; PolyPhen-2: "Benign"; Align-GVGD: "Class C0". The serine amino acid residue is found in multiple mammalian species, which suggests that this missense change does not adversely affect protein function. In summary, the available evidence is currently insufficient to determine the role of this variant in disease. Therefore, it has been classified as a Variant of Uncertain Significance.